The following is an entry in ClinVar:

NM_000528.4(MAN2B1):c.630+5G>A

Gene: MAN2B1 (mannosidase alpha class 2B member 1; minus strand). Cytogenetic location: 19p13.13.
Variant type: single nucleotide variant.
Coding change: c.630+5G>A on transcript NM_000528.4 (MANE Select); 5 bases into the intron after coding-DNA position 630, G replaced by A.
Molecular consequence: intron variant.
Genome position (GRCh38, 1-based): chr19:12,664,787, C>T on the plus strand (G>A on the coding strand, the complement: MAN2B1 is on the minus strand). VCF-style: chr19-12664787-C-T. GRCh37 (hg19) VCF-style: chr19-12775601-C-T.
Other names: c.630+5G>A (NM_001173498.2).
Identifiers: ClinVar variation 2919281 (VCV002919281.3), dbSNP rs1463229385, ClinGen allele CA632119977.
Genomic context (GRCh38, chr19:12,664,787, plus strand): 5'-TGACTGGGCGAGGGAGGAGCCAGAGTGAGTGAAGAAGTGGGCCCAAGAGAGGTCCCGGGT[C>T]GCACCTGCGCAAACAGCGAGGCCTGCTCCCGAGAGTGGCCGAAGGGGTCAATGTGCCAGG-3'

ClinVar aggregate classification (germline): Uncertain significance (1 of 4 stars; one submission).

Conditions:
Deficiency of alpha-mannosidase (MANSA). Also called: LYSOSOMAL ALPHA-D-MANNOSIDASE DEFICIENCY; Alpha-Mannosidosis; Mannosidosis, alpha-, types I and II. Identifiers: Orphanet 61, MedGen C0024748, MONDO:0009561, OMIM 248500.

Allele frequency attached by ClinVar (database versions not stated): TOPMed below 0.00001.
gnomAD v4.1: 2 of 1,611,538 alleles (0.00012%); highest among the groups gnomAD compares: Admixed American, 0.0017%; no homozygotes.

Submission:

Labcorp Genetics (formerly Invitae), Labcorp
Classification: Uncertain significance for Deficiency of alpha-mannosidase. Last evaluated: 2023-02-10. Review status: criteria provided, single submitter. Criteria: Invitae Variant Classification Sherloc (09022015). Collection method: clinical testing. Allele origin: germline.
Comment: The frequency data for this variant in the population databases is considered unreliable, as metrics indicate poor data quality at this position in the gnomAD database. This sequence change falls in intron 4 of the MAN2B1 gene. It does not directly change the encoded amino acid sequence of the MAN2B1 protein. It affects a nucleotide within the consensus splice site. This variant has not been reported in the literature in individuals affected with MAN2B1-related conditions. Variants that disrupt the consensus splice site are a relatively common cause of aberrant splicing (PMID: 17576681, 9536098). Algorithms developed to predict the effect of sequence changes on RNA splicing suggest that this variant is not likely to affect RNA splicing. In summary, the available evidence is currently insufficient to determine the role of this variant in disease. Therefore, it has been classified as a Variant of Uncertain Significance.

Literature cited by the submitters: PubMed 17576681; PubMed 9536098.